The following is an entry in ClinVar:

ClinVar aggregate classification (germline): Uncertain significance (1 of 4 stars; one submission).

Submission:

Labcorp Genetics (formerly Invitae), Labcorp
Classification: Uncertain significance. Last evaluated: 2022-07-31. Review status: criteria provided, single submitter. Criteria: Invitae Variant Classification Sherloc (09022015). Collection method: clinical testing. Allele origin: germline.
Comment: In summary, the available evidence is currently insufficient to determine the role of this variant in disease. Therefore, it has been classified as a Variant of Uncertain Significance. This variant has not been reported in the literature in individuals affected with ERCC3-related conditions. This variant is present in population databases (rs777778660, gnomAD 0.009%). This variant, c.60_71dup, results in the insertion of 4 amino acid(s) of the ERCC3 protein (p.Glu20_Glu23dup), but otherwise preserves the integrity of the reading frame.

NM_000122.2(ERCC3):c.60_71dup (p.Glu23_Asp24insGluAspGluGlu)

Gene: ERCC3 (ERCC excision repair 3, TFIIH core complex helicase subunit; minus strand). Cytogenetic location: 2q14.3.
Variant type: Duplication.
Coding change: c.60_71dup on transcript NM_000122.2 (MANE Select); coding-DNA positions 60 to 71, 12 bases duplicated (GGATGAAGAGGA).
Protein change: p.Glu23_Asp24insGluAspGluGlu.
Molecular consequence: inframe insertion. On other transcripts: 5 prime UTR variant (2).
Genome position (GRCh38, 1-based): chr2:127,293,676-127,293,687, TCCTCTTCATCC duplicated on the plus strand (GGATGAAGAGGA on the coding strand, the reverse complement: ERCC3 is on the minus strand); duplicating any 12 consecutive bases within chr2:127,293,676-127,293,689 gives the same sequence; the c. name uses the placement nearest the transcript's 3' end. VCF-style (leftmost placement, unchanged base first): chr2-127293675-A-ATCCTCTTCATCC. GRCh37 (hg19) VCF-style: chr2-128051251-A-ATCCTCTTCATCC.
Other names: c.-133_-122dup (NM_001303416.2, NM_001303418.2).
Identifiers: ClinVar variation 1991268 (VCV001991268.4), dbSNP rs777778660, ClinGen allele CA1858629.
Genomic context (GRCh38, chr2:127,293,675, plus strand): 5'-CTTCCCCGCCGCCGAGGGAACCGCTTCCTGAGGGTCGTTCCCCGGGGCGTCCTCTTCATC[A>ATCCTCTTCATCC]TCCTCTTCATCCTCATAGTGCCGCTTCCTGGATTTCTTCTTGTCTGCAAGATACCAACAC-3'